The following is an entry in ClinVar:

ClinVar aggregate classification (germline): Uncertain significance. Review status: criteria provided, multiple submitters, no conflicts (2 of 4 stars). 2 submissions from 2 submitters: Uncertain significance (2). Last evaluated 2024-10-22.

Allele frequency attached by ClinVar (database versions not stated): ExAC 0.00001; gnomAD 0.00001; gnomAD exomes 0.00001; TOPMed 0.00001; ESP Exome Variant Server 0.00008.
gnomAD v4.1: 11 of 1,613,362 alleles (0.00068%); highest among the groups gnomAD compares: Non-Finnish European, 0.00093%; no homozygotes.

Submissions (2):

Labcorp Genetics (formerly Invitae), Labcorp
Classification: Uncertain significance. Last evaluated: 2024-10-22. Review status: criteria provided, single submitter. Criteria: Invitae Variant Classification Sherloc (09022015). Collection method: clinical testing. Allele origin: germline.
Comment: This sequence change replaces valine, which is neutral and non-polar, with isoleucine, which is neutral and non-polar, at codon 3 of the NAF1 protein (p.Val3Ile). This variant is present in population databases (rs376190930, gnomAD 0.004%). This variant has not been reported in the literature in individuals affected with NAF1-related conditions. ClinVar contains an entry for this variant (Variation ID: 2208041). An algorithm developed to predict the effect of missense changes on protein structure and function (PolyPhen-2) suggests that this variant is likely to be disruptive. In summary, the available evidence is currently insufficient to determine the role of this variant in disease. Therefore, it has been classified as a Variant of Uncertain Significance.

Ambry Genetics
Classification: Uncertain significance. Last evaluated: 2021-08-02. Review status: criteria provided, single submitter. Criteria: Ambry Variant Classification Scheme 2023. Collection method: clinical testing. Allele origin: germline.

NM_138386.3(NAF1):c.7G>A (p.Val3Ile)

Gene: NAF1 (nuclear assembly factor 1 ribonucleoprotein; minus strand). Cytogenetic location: 4q32.2.
Variant type: single nucleotide variant.
Coding change: c.7G>A on transcript NM_138386.3 (MANE Select); coding-DNA position 7, G replaced by A.
Protein change: p.Val3Ile; replaces valine 3 with isoleucine.
Molecular consequence: missense variant.
Genome position (GRCh38, 1-based): chr4:163,166,721, C>T on the plus strand (G>A on the coding strand, the complement: NAF1 is on the minus strand). VCF-style: chr4-163166721-C-T. GRCh37 (hg19) VCF-style: chr4-164087873-C-T.
Other names: c.7G>A, p.Val3Ile (NM_001128931.2); short protein forms V3I.
Identifiers: ClinVar variation 2208041 (VCV002208041.4), dbSNP rs376190930, ClinGen allele CA3126501.
Genomic context (GRCh38, chr4:163,166,721, plus strand): 5'-CTCCAAAGTCGGTGCCATTGAATTTCAGAGTTTCCAGCTGAGCGGCGGCGGCCTCCACTA[C>T]CTCCATCGCACCGCGCCAGAAACCGGGTCGGCCTCAGGATTGGGGCCCCTGGACAAGCTC-3'
Protein context (NP_612395.2, residues 1-13): ME[Val3Ile]VEAAAAQLET